The following is an entry in ClinVar:

NM_000206.3(IL2RG):c.344G>T (p.Cys115Phe)

Gene: IL2RG (interleukin 2 receptor subunit gamma; minus strand). Cytogenetic location: Xq13.1.
Variant type: single nucleotide variant.
Coding change: c.344G>T on transcript NM_000206.3 (MANE Select); coding-DNA position 344, G replaced by T.
Protein change: p.Cys115Phe; replaces cysteine 115 with phenylalanine.
Molecular consequence: missense variant.
Genome position (GRCh38, 1-based): chrX:71,110,614, C>A on the plus strand (G>T on the coding strand, the complement: IL2RG is on the minus strand). VCF-style: chrX-71110614-C-A. GRCh37 (hg19) VCF-style: chrX-70330464-C-A.
Other names: short protein forms C115F.
Identifiers: ClinVar variation 1473926 (VCV001473926.6), dbSNP rs1556330755, ClinGen allele CA413496773.
Genomic context (GRCh38, chrX:71,110,614, plus strand): 5'-GGGTCCTGGAGCTGAACAACAAATGTTTGGTAGAGGTGGATCTCCTTTTTTTGCAACTGA[C>A]AGCCAGAAGTGATTTCTTCAGAGAATAGATAGTGGCTGCACTTCTGGACTTTATCATTAT-3'
Protein context (NP_000197.1, residues 105-125): YLFSEEITSG[Cys115Phe]QLQKKEIHLY

ClinVar aggregate classification (germline): Likely pathogenic (1 of 4 stars; one submission).

Conditions:
X-linked severe combined immunodeficiency (SCIDX1). Also called: IMMUNODEFICIENCY 4; SCID, X-LINKED; SEVERE COMBINED IMMUNODEFICIENCY, X-LINKED, T CELL-NEGATIVE, B CELL-POSITIVE, NK CELL-NEGATIVE; T-B+ severe combined immunodeficiency due to gamma chain deficiency; X-Linked Combined Immunodeficiency Diseases. Identifiers: Orphanet 276, MedGen C6022468, MONDO:0010315, OMIM 300400. Disease mechanism: loss of function.

Submission:

Labcorp Genetics (formerly Invitae), Labcorp
Classification: Likely pathogenic for X-linked severe combined immunodeficiency. Last evaluated: 2022-07-19. Review status: criteria provided, single submitter. Criteria: Invitae Variant Classification Sherloc (09022015). Collection method: clinical testing. Allele origin: germline.
Comment: In summary, the currently available evidence indicates that the variant is pathogenic, but additional data are needed to prove that conclusively. Therefore, this variant has been classified as Likely Pathogenic. This variant disrupts the p.Cys115 amino acid residue in IL2RG. Other variant(s) that disrupt this residue have been determined to be pathogenic (PMID: 8299698; Invitae). This suggests that this residue is clinically significant, and that variants that disrupt this residue are likely to be disease-causing. Advanced modeling of protein sequence and biophysical properties (such as structural, functional, and spatial information, amino acid conservation, physicochemical variation, residue mobility, and thermodynamic stability) performed at Invitae indicates that this missense variant is expected to disrupt IL2RG protein function. ClinVar contains an entry for this variant (Variation ID: 1473926). This variant has not been reported in the literature in individuals affected with IL2RG-related conditions. This variant is not present in population databases (gnomAD no frequency). This sequence change replaces cysteine, which is neutral and slightly polar, with phenylalanine, which is neutral and non-polar, at codon 115 of the IL2RG protein (p.Cys115Phe).

Literature cited by the submitters: PubMed 8299698.